The following is an entry in ClinVar:

ClinVar aggregate classification (germline): Benign/Likely benign. Review status: criteria provided, multiple submitters, no conflicts (2 of 4 stars). 2 submissions from 2 submitters: Benign (1); Likely benign (1). Last evaluated 2024-04-10.

Conditions:
Familial adenomatous polyposis 1 (FAP1). Also called: POLYPOSIS, ADENOMATOUS INTESTINAL; FAMILIAL ADENOMATOUS POLYPOSIS 1, ATTENUATED. Identifiers: MedGen C2713442, MONDO:0021056, OMIM 175100. Disease mechanism: loss of function.

Submissions (2):

Myriad Genetics, Inc.
Classification: Benign for Familial adenomatous polyposis 1. Last evaluated: 2024-04-10. Review status: criteria provided, single submitter. Criteria: Myriad Autosomal Dominant, Autosomal Recessive and X-Linked Classification Criteria (2023). Collection method: clinical testing. Allele origin: unknown.
Comment: This variant is considered benign. This variant is a silent/synonymous amino acid change and it is not expected to impact splicing.

Labcorp Genetics (formerly Invitae), Labcorp
Classification: Likely benign for Familial adenomatous polyposis 1. Last evaluated: 2023-11-24. Review status: criteria provided, single submitter. Criteria: Invitae Variant Classification Sherloc (09022015). Collection method: clinical testing. Allele origin: germline.

NM_000038.6(APC):c.7680A>T (p.Arg2560=)

Gene: APC (APC regulator of Wnt signaling pathway; plus strand). Cytogenetic location: 5q22.2.
Variant type: single nucleotide variant.
Coding change: c.7680A>T on transcript NM_000038.6 (MANE Select); coding-DNA position 7680, A replaced by T.
Protein change: p.Arg2560=; no amino-acid change (arginine 2560 retained).
Molecular consequence: synonymous variant. On other transcripts: non-coding transcript variant (2).
Genome position (GRCh38, 1-based): chr5:112,843,274, A>T. VCF-style: chr5-112843274-A-T. GRCh37 (hg19) VCF-style: chr5-112178971-A-T.
Other names: c.7680A>T, p.Arg2560= (NM_001127510.3, NM_001354895.2, NM_001407450.1); c.7626A>T, p.Arg2542= (NM_001127511.3); c.7734A>T, p.Arg2578= (NM_001354896.2, NM_001407447.1, NM_001407448.1 and 1 more transcripts); c.7710A>T, p.Arg2570= (NM_001354897.2); c.7605A>T, p.Arg2535= (NM_001354898.2); c.7596A>T, p.Arg2532= (NM_001354899.2); c.7557A>T, p.Arg2519= (NM_001354900.2); c.7503A>T, p.Arg2501= (NM_001354901.2, NM_001407453.1); and 11 more.
Identifiers: ClinVar variation 1988071 (VCV001988071.5), dbSNP rs2149991851, ClinGen allele CA446211132.